The following is an entry in ClinVar:

ClinVar aggregate classification (germline): Uncertain significance. Review status: criteria provided, multiple submitters, no conflicts (2 of 4 stars). 2 submissions from 2 submitters: Uncertain significance (2). Last evaluated 2025-03-12.

Conditions:
Progressive familial heart block type IB (PFHB1B). Identifiers: Orphanet 871, MedGen C1970298, MONDO:0011474, OMIM 604559.

Submissions (2):

Labcorp Genetics (formerly Invitae), Labcorp
Classification: Uncertain significance for Progressive familial heart block type IB. Last evaluated: 2025-03-12. Review status: criteria provided, single submitter. Criteria: Invitae Variant Classification Sherloc (09022015). Collection method: clinical testing. Allele origin: germline.
Comment: This variant, c.2231_2233del, results in the deletion of 1 amino acid(s) of the TRPM4 protein (p.Lys744del), but otherwise preserves the integrity of the reading frame. This variant is not present in population databases (gnomAD no frequency). This variant has not been reported in the literature in individuals affected with TRPM4-related conditions. Experimental studies and prediction algorithms are not available or were not evaluated, and the functional significance of this variant is currently unknown. In summary, the available evidence is currently insufficient to determine the role of this variant in disease. Therefore, it has been classified as a Variant of Uncertain Significance.

GeneDx
Classification: Uncertain significance. Last evaluated: 2018-02-07. Review status: criteria provided, single submitter. Criteria: GeneDx Variant Classification (06012015). Collection method: clinical testing. Allele origin: germline. Affected: yes.
Comment: A variant of uncertain significance has been identified in the TRPM4 gene. The c.2231_2233delAGA variant has not been published as pathogenic or been reported as benign to our knowledge. This variant is also not observed in large population cohorts (Lek et al., 2016). The c.2231_2233delAGA variant results in the in-frame deletion of one lysine residue at codon 744, denoted p.Lys744del. However, no other in-frame deletions in the TRPM4 gene have been reported in HGMD in association with TRPM4-related disorders (Stenson et al., 2014). Additionally, in-silico analyses, including protein predictors and evolutionary conservation, support that this variant does not alter protein structure/function.

NM_017636.4(TRPM4):c.2228AGA[1] (p.Lys744del)

Gene: TRPM4 (transient receptor potential cation channel subfamily M member 4; plus strand). Cytogenetic location: 19q13.33.
Variant type: Microsatellite.
Coding change: c.2228AGA[1] on transcript NM_017636.4 (MANE Select); one copy of the 3-base unit AGA starting at c.2228; the reference has two copies in a row; one copy, 3 bases deleted.
Protein change: p.Lys744del; deletes lysine 744.
Molecular consequence: inframe deletion. On other transcripts: intron variant (1).
Genome position (GRCh38, 1-based): chr19:49,196,460-49,196,462, AGA deleted; deleting any 3 consecutive bases within chr19:49,196,457-49,196,462 gives the same sequence; the position shown is the placement nearest the transcript's 3' end. VCF-style (leftmost placement, unchanged base first): chr19-49196456-GAGA-G. GRCh37 (hg19) VCF-style: chr19-49699713-GAGA-G.
Other names: c.1883AGA[1], p.Lys629del (NM_001321281.2); c.620AGA[1], p.Lys208del (NM_001321282.2); c.1706AGA[1], p.Lys570del (NM_001321283.2); c.1166AGA[1], p.Lys390del (NM_001321285.2); c.2211-3840_2211-3838del (NM_001195227.2); short protein forms K744del, K570del, K390del, K629del, K208del.
Identifiers: ClinVar variation 504265 (VCV000504265.3), dbSNP rs1555760921, ClinGen allele CA658799266.